The following is an entry in ClinVar:

ClinVar aggregate classification (germline): Pathogenic (1 of 4 stars; one submission).

Conditions:
Cockayne spectrum with or without cerebrooculofacioskeletal syndrome. Identifiers: MedGen CN315928, MONDO:0100506.

Submission:

Myriad Genetics, Inc.
Classification: Pathogenic for Cockayne spectrum with or without cerebrooculofacioskeletal syndrome. Last evaluated: 2024-05-01. Review status: criteria provided, single submitter. Criteria: Myriad Autosomal Dominant, Autosomal Recessive and X-Linked Classification Criteria (2023). Collection method: clinical testing. Allele origin: unknown.
Comment: NM_000124.2(ERCC6):c.3384delA(E1128Dfs*24) is expected to be pathogenic in the context of ERCC6-related disorders. This variant is predicted to lead to an abnormal or absent protein product due to the creation of a premature termination codon in ERCC6, a gene where loss-of-function variants are known to be pathogenic. Please note: this variant was assessed in the context of healthy population screening.

NM_000124.4(ERCC6):c.3384del (p.Glu1128fs)

Gene: ERCC6 (ERCC excision repair 6, chromatin remodeling factor; minus strand). Cytogenetic location: 10q11.23.
Variant type: Deletion.
Coding change: c.3384del on transcript NM_000124.4 (MANE Select); coding-DNA position 3384, one base deleted (A; older notation c.3384delA).
Protein change: p.Glu1128fs; shifts the reading frame from glutamic acid 1128.
Molecular consequence: frameshift variant.
Genome position (GRCh38, 1-based): chr10:49,470,576, T deleted on the plus strand (A on the coding strand, the reverse complement: ERCC6 is on the minus strand); the first of 2 consecutive T bases (chr10:49,470,576-49,470,577); deleting either gives the same sequence. VCF-style (leftmost placement, unchanged base first): chr10-49470575-AT-A. GRCh37 (hg19) VCF-style: chr10-50678621-AT-A.
Other names: c.3384del, p.Glu1128fs (NM_001346440.2); short protein forms E1128fs.
Identifiers: ClinVar variation 5012976 (VCV005012976.1).